The following is an entry in ClinVar:

NM_153717.3(EVC):c.2561+1dup

Gene: EVC (EvC ciliary complex subunit 1; plus strand). Cytogenetic location: 4p16.2.
Variant type: Duplication.
Coding change: c.2561+1dup on transcript NM_153717.3 (MANE Select); the canonical splice donor site of the intron after coding-DNA position 2561, one base duplicated (G; older notation c.2561+1dupG).
Molecular consequence: splice donor variant.
Genome position (GRCh38, 1-based): chr4:5,804,842, G duplicated; the last of 2 consecutive G bases (chr4:5,804,841-5,804,842); duplicating either gives the same sequence. VCF-style (leftmost placement, unchanged base first): chr4-5804840-A-AG. GRCh37 (hg19) VCF-style: chr4-5806567-A-AG.
Other names: NC_000004.11:g.5806569dup; c.2561+1dup (NM_001306090.2).
Identifiers: ClinVar variation 1068990 (VCV001068990.11), dbSNP rs2152375437, ClinGen allele CA913107212.

ClinVar aggregate classification (germline): Pathogenic (1 of 4 stars; one submission).

Conditions:
Curry-Hall syndrome (WAD). Also called: WEYERS ACRODENTAL DYSOSTOSIS. Identifiers: Orphanet 952, MedGen C0457013, MONDO:0008673, OMIM 193530.
Ellis-van Creveld syndrome (EVC). Also called: EVC-Related Ellis-van Creveld Syndrome; EVC2-Related Ellis-van Creveld Syndrome; MESOECTODERMAL DYSPLASIA; Chondroectodermal dysplasia. Identifiers: Orphanet 289, MedGen C0013903, MONDO:0009162, OMIM 225500.

Submissions (2):

Labcorp Genetics (formerly Invitae), Labcorp
Classification: Pathogenic for Curry-Hall syndrome; Ellis-van Creveld syndrome. Last evaluated: 2020-10-05. Review status: criteria provided, single submitter. Criteria: Invitae Variant Classification Sherloc (09022015). Collection method: clinical testing. Allele origin: germline.
Comment: This sequence change creates a premature translational stop signal (p.Met855Aspfs*45) in the EVC gene. It is expected to result in an absent or disrupted protein product. This variant is not present in population databases (ExAC no frequency). This variant has not been reported in the literature in individuals with EVC-related conditions. It is also known as c.2561+1dup. Algorithms developed to predict the effect of sequence changes on RNA splicing suggest that this variant may disrupt the consensus splice site, but this prediction has not been confirmed by published transcriptional studies. Loss-of-function variants in EVC are known to be pathogenic (PMID: 23220543). For these reasons, this variant has been classified as Pathogenic.

Dr. Peter K. Rogan Lab, Western University
No classification provided (evidence only). Condition: Hepatocellular carcinoma. Review status: no classification provided. Collection method: in vitro. Allele origin: not applicable. Functional consequence: skipped exon. Not counted in ClinVar's aggregate classification.

Literature cited by the submitters: PubMed 23220543 (cited by Labcorp Genetics (formerly Invitae), Labcorp).